The following is an entry in ClinVar:

ClinVar aggregate classification (germline): Uncertain significance (1 of 4 stars; one submission).

Allele frequency attached by ClinVar (database versions not stated): gnomAD 0.00001; gnomAD exomes 0.00001; TOPMed 0.00001.
gnomAD v4.1: 5 of 1,614,134 alleles (0.00031%); highest among the groups gnomAD compares: Non-Finnish European, 0.00042%; no homozygotes.

Submission:

Labcorp Genetics (formerly Invitae), Labcorp
Classification: Uncertain significance. Last evaluated: 2022-08-17. Review status: criteria provided, single submitter. Criteria: Invitae Variant Classification Sherloc (09022015). Collection method: clinical testing. Allele origin: germline.
Comment: In summary, the available evidence is currently insufficient to determine the role of this variant in disease. Therefore, it has been classified as a Variant of Uncertain Significance. Advanced modeling of protein sequence and biophysical properties (such as structural, functional, and spatial information, amino acid conservation, physicochemical variation, residue mobility, and thermodynamic stability) performed at Invitae indicates that this missense variant is not expected to disrupt CYP4V2 protein function. This variant has not been reported in the literature in individuals affected with CYP4V2-related conditions. This variant is present in population databases (no rsID available, gnomAD 0.0009%). This sequence change replaces lysine, which is basic and polar, with arginine, which is basic and polar, at codon 207 of the CYP4V2 protein (p.Lys207Arg).

NM_207352.4(CYP4V2):c.620A>G (p.Lys207Arg)

Gene: CYP4V2 (cytochrome P450 family 4 subfamily V member 2; plus strand). Cytogenetic location: 4q35.1.
Variant type: single nucleotide variant.
Coding change: c.620A>G on transcript NM_207352.4 (MANE Select); coding-DNA position 620, A replaced by G.
Protein change: p.Lys207Arg; replaces lysine 207 with arginine.
Molecular consequence: missense variant.
Genome position (GRCh38, 1-based): chr4:186,197,548, A>G. VCF-style: chr4-186197548-A-G. GRCh37 (hg19) VCF-style: chr4-187118702-A-G.
Other names: short protein forms K207R.
Identifiers: ClinVar variation 1716599 (VCV001716599.5), dbSNP rs1238465346, ClinGen allele CA358947724.